The following is an entry in ClinVar:

ClinVar aggregate classification (germline): Uncertain significance (1 of 4 stars; one submission).

Conditions:
Hereditary cancer-predisposing syndrome. Also called: Neoplastic Syndromes, Hereditary; Hereditary Cancer Syndrome; Tumor predisposition; Hereditary neoplastic syndrome. Identifiers: Orphanet 140162, MedGen C0027672, MeSH D009386, MONDO:0015356.

Allele frequency attached by ClinVar (database versions not stated): gnomAD 0.00001; TOPMed 0.00001.
gnomAD v4.1: 2 of 151,970 alleles (0.0013%); highest among the groups gnomAD compares: African/African-American, 0.0048%; no homozygotes.

Submission:

Ambry Genetics
Classification: Uncertain significance for Hereditary cancer-predisposing syndrome. Last evaluated: 2022-11-14. Review status: criteria provided, single submitter. Criteria: Ambry Variant Classification Scheme 2023. Collection method: clinical testing. Allele origin: germline.
Comment: The c.4910-891G>A intronic alteration consists of a G to A substitution 891 nucleotides before coding exon 32 in the ATM gene. Based on insufficient or conflicting evidence, the clinical significance of this alteration remains unclear.

NM_000051.4(ATM):c.4910-891G>A

Gene: ATM (ATM serine/threonine kinase; plus strand). Cytogenetic location: 11q22.3.
Variant type: single nucleotide variant.
Coding change: c.4910-891G>A on transcript NM_000051.4 (MANE Select); 891 bases into the intron before coding-DNA position 4910, G replaced by A.
Molecular consequence: intron variant.
Genome position (GRCh38, 1-based): chr11:108,296,396, G>A. VCF-style: chr11-108296396-G-A. GRCh37 (hg19) VCF-style: chr11-108167123-G-A.
Other names: c.4910-891G>A (NM_001351834.2).
Identifiers: ClinVar variation 2447499 (VCV002447499.2), dbSNP rs1319067933, ClinGen allele CA601721713.